The following is an entry in ClinVar:

ClinVar aggregate classification (germline): Uncertain significance (1 of 4 stars; one submission).

Submission:

Labcorp Genetics (formerly Invitae), Labcorp
Classification: Uncertain significance. Last evaluated: 2025-10-16. Review status: criteria provided, single submitter. Criteria: Invitae Variant Classification Sherloc (09022015). Collection method: clinical testing. Allele origin: germline.
Comment: This sequence change creates a premature translational stop signal (p.Tyr1468*) in the SAMD9 gene. While this is not anticipated to result in nonsense mediated decay, it is expected to disrupt the last 122 amino acid(s) of the SAMD9 protein. This variant is not present in population databases (gnomAD no frequency). This variant has not been reported in the literature in individuals affected with SAMD9-related conditions. In summary, the available evidence is currently insufficient to determine the role of this variant in disease. Therefore, it has been classified as a Variant of Uncertain Significance.

NM_017654.4(SAMD9):c.4404_4405del (p.Tyr1468_Lys1469delinsTer)

Gene: SAMD9 (sterile alpha motif domain containing 9; minus strand). Cytogenetic location: 7q21.2.
Variant type: Microsatellite.
Coding change: c.4404_4405del on transcript NM_017654.4 (MANE Select); coding-DNA positions 4404 to 4405, 2 bases deleted (TA; older notation c.4404_4405delTA).
Protein change: p.Tyr1468_Lys1469delinsTer.
Molecular consequence: nonsense.
Genome position (GRCh38, 1-based): chr7:93,101,693-93,101,694, TA deleted on the plus strand (TA on the coding strand, the reverse complement: SAMD9 is on the minus strand); deleting any 2 consecutive bases within chr7:93,101,693-93,101,697 gives the same sequence; the c. name uses the placement nearest the transcript's 3' end. VCF-style (leftmost placement, unchanged base first): chr7-93101692-TTA-T. GRCh37 (hg19) VCF-style: chr7-92731005-TTA-T.
Other names: c.4404_4405del, p.Tyr1468_Lys1469delinsTer (NM_001193307.2).
Identifiers: ClinVar variation 4728976 (VCV004728976.1).
Genomic context (GRCh38, chr7:93,101,692, plus strand): 5'-AGTCTTTTACCTTTTCCAAGAAAGAAATATGCAATTGGTTGCTTTGTACGATGCATATGT[TTA>T]TATTGCCCCTTGAAAGAATTTTTTAGTGCTTGAGCATACTCTTTCATTTGTTCAGAATGT-3'